The following is an entry in ClinVar:

ClinVar aggregate classification (germline): Uncertain significance (1 of 4 stars; one submission).

Conditions:
Cardiovascular phenotype. Identifiers: MedGen CN230736.

Submission:

Ambry Genetics
Classification: Uncertain significance for Cardiovascular phenotype. Last evaluated: 2020-05-12. Review status: criteria provided, single submitter. Criteria: Ambry Variant Classification Scheme 2023. Collection method: clinical testing. Allele origin: germline.
Comment: The p.R1938I variant (also known as c.5813G>T), located in coding exon 26 of the TTN gene, results from a G to T substitution at nucleotide position 5813. The arginine at codon 1938 is replaced by isoleucine, an amino acid with similar properties. This amino acid position is highly conserved in available vertebrate species. In addition, the in silico prediction for this alteration is inconclusive. Since supporting evidence is limited at this time, the clinical significance of this alteration remains unclear.

NM_001267550.2(TTN):c.5951G>T (p.Arg1984Ile)

Gene: TTN (titin; minus strand). Cytogenetic location: 2q31.2.
Variant type: single nucleotide variant.
Coding change: c.5951G>T on transcript NM_001267550.2 (MANE Select); coding-DNA position 5951, G replaced by T.
Protein change: p.Arg1984Ile; replaces arginine 1984 with isoleucine.
Molecular consequence: missense variant.
Genome position (GRCh38, 1-based): chr2:178,775,913, C>A on the plus strand (G>T on the coding strand, the complement: TTN is on the minus strand). VCF-style: chr2-178775913-C-A. GRCh37 (hg19) VCF-style: chr2-179640640-C-A.
Other names: c.5951G>T, p.Arg1984Ile (NM_001256850.1, NM_133378.4, NM_133379.5); c.5813G>T, p.Arg1938Ile (NM_003319.4, NM_133432.3, NM_133437.4); short protein forms R1938I, R1984I.
Identifiers: ClinVar variation 1749856 (VCV001749856.2), dbSNP rs2532842785, ClinGen allele CA349445394.